The following is an entry in ClinVar:

NM_004667.6(HERC2):c.14336A>G (p.Glu4779Gly)

Gene: HERC2 (HECT and RLD domain containing E3 ubiquitin protein ligase 2; minus strand). Cytogenetic location: 15q13.1.
Variant type: single nucleotide variant.
Coding change: c.14336A>G on transcript NM_004667.6 (MANE Select); coding-DNA position 14336, A replaced by G.
Protein change: p.Glu4779Gly; replaces glutamic acid 4779 with glycine.
Molecular consequence: missense variant.
Genome position (GRCh38, 1-based): chr15:28,111,932, T>C on the plus strand (A>G on the coding strand, the complement: HERC2 is on the minus strand). VCF-style: chr15-28111932-T-C. GRCh37 (hg19) VCF-style: chr15-28357078-T-C.
Other names: short protein forms E4779G.
Identifiers: ClinVar variation 1700478 (VCV001700478.2), dbSNP rs1171782971, ClinGen allele CA391368024.

ClinVar aggregate classification (germline): Uncertain significance (1 of 4 stars; one submission).

Allele frequency attached by ClinVar (database versions not stated): gnomAD 0.00001; TOPMed 0.00001.
gnomAD v4.1: 1 of 1,614,000 alleles (0.000062%); highest among the groups gnomAD compares: African/African-American, 0.0013%; no homozygotes.

Submission:

GeneDx
Classification: Uncertain significance. Last evaluated: 2022-02-06. Review status: criteria provided, single submitter. Criteria: GeneDx Variant Classification Process June 2021. Collection method: clinical testing. Allele origin: germline. Affected: yes.
Comment: Not observed at significant frequency in large population cohorts (gnomAD); In silico analysis supports that this missense variant has a deleterious effect on protein structure/function; Has not been previously published as pathogenic or benign to our knowledge